The following is an entry in ClinVar:

ClinVar aggregate classification (germline): Uncertain significance. Review status: criteria provided, multiple submitters, no conflicts (2 of 4 stars). 4 submissions from 4 submitters: Uncertain significance (4). Last evaluated 2026-08-05.

Conditions:
RP1-related disorder. Also called: RP1-related condition.

Allele frequency attached by ClinVar (database versions not stated): gnomAD exomes 0.00005 and 0.00007; gnomAD 0.00008 and 0.00009; TOPMed 0.00008; ExAC 0.00005.
gnomAD v4.1: 116 of 1,613,864 alleles (0.0072%); highest among the groups gnomAD compares: Non-Finnish European, 0.0093%; no homozygotes.

Submissions (4):

PreventionGenetics, part of Exact Sciences
Classification: Uncertain significance for RP1-related condition. Last evaluated: 2026-08-05. Review status: criteria provided, single submitter. Criteria: ACMG Guidelines, 2015. Collection method: clinical testing. Allele origin: germline.
Comment: The RP1 c.4193C>G variant is predicted to result in the amino acid substitution p.Ser1398Cys. This variant has been reported in an individual with an autosomal dominant retinitis pigmentosa phenotype, but the variant was also detected in the patient's asymptomatic brother (Supplemental Table S4, Audo et al. 2011. PubMed ID: 22052604). This variant is reported in 0.0093% of alleles in individuals of European (Non-Finnish) descent in gnomAD. At this time, the clinical significance of this variant is uncertain due to the absence of conclusive functional and genetic evidence.

Labcorp Genetics (formerly Invitae), Labcorp
Classification: Uncertain significance. Last evaluated: 2026-01-24. Review status: criteria provided, single submitter. Criteria: Invitae Variant Classification Sherloc (09022015). Collection method: clinical testing. Allele origin: germline.
Comment: This sequence change replaces serine, which is neutral and polar, with cysteine, which is neutral and slightly polar, at codon 1398 of the RP1 protein (p.Ser1398Cys). This variant is present in population databases (rs769270937, gnomAD 0.009%). This missense change has been observed in individuals with clinical features of autosomal dominant retinitis pigmentosa (PMID: 22052604; internal data). ClinVar contains an entry for this variant (Variation ID: 426459). An algorithm developed to predict the effect of missense changes on protein structure and function (PolyPhen-2) suggests that this variant is likely to be tolerated. In summary, the available evidence is currently insufficient to determine the role of this variant in disease. Therefore, it has been classified as a Variant of Uncertain Significance.

Blueprint Genetics
Classification: Uncertain significance. Last evaluated: 2024-11-20. Review status: criteria provided, single submitter. Criteria: ACMG Guidelines, 2015. Collection method: clinical testing. Allele origin: germline.

GeneDx
Classification: Uncertain significance. Last evaluated: 2017-04-14. Review status: criteria provided, single submitter. Criteria: GeneDx Variant Classification (06012015). Collection method: clinical testing. Allele origin: germline. Affected: yes.
Comment: The S1398C variant in the RP1 gene has been identified previously in an individual with autosomal dominant retinitis pigmentosa, however, segregation data is limited or absent for other affected family members due to the lack of clinical information provided and insufficient participation by informative family members (Audo et al., 2012). The S1398C variant is observed in 6/66468 (0.009%) alleles from individuals of European non-Finnish background in the ExAC dataset (Lek et al., 2016). The S1398C variant is a non-conservative amino acid substitution, which is likely to impact secondary protein structure as these residues differ in polarity, charge, size and/or other properties. However, this substitution occurs at a position that is not conserved across species, and in silico analysis is inconsistent in its predictions as to whether or not the variant is damaging to the protein structure/function. We interpret S1398C as a variant of uncertain significance.

Literature cited by the submitters: PubMed 22052604 (cited by Labcorp Genetics (formerly Invitae), Labcorp).

NM_006269.2(RP1):c.4193C>G (p.Ser1398Cys)

Gene: RP1 (RP1 axonemal microtubule associated; plus strand). Cytogenetic location: 8q12.1.
Variant type: single nucleotide variant.
Coding change: c.4193C>G on transcript NM_006269.2 (MANE Select); coding-DNA position 4193, C replaced by G.
Protein change: p.Ser1398Cys; replaces serine 1398 with cysteine.
Molecular consequence: missense variant.
Genome position (GRCh38, 1-based): chr8:54,628,075, C>G. VCF-style: chr8-54628075-C-G. GRCh37 (hg19) VCF-style: chr8-55540635-C-G.
Other names: short protein forms S1398C.
Identifiers: ClinVar variation 426459 (VCV000426459.12), dbSNP rs769270937, ClinGen allele CA4751814.